The following is an entry in ClinVar:

NM_004168.4(SDHA):c.38C>A (p.Ala13Asp)

Gene: SDHA (succinate dehydrogenase complex flavoprotein subunit A; plus strand). Cytogenetic location: 5p15.33.
Variant type: single nucleotide variant.
Coding change: c.38C>A on transcript NM_004168.4 (MANE Select); coding-DNA position 38, C replaced by A.
Protein change: p.Ala13Asp; replaces alanine 13 with aspartic acid.
Molecular consequence: missense variant.
Genome position (GRCh38, 1-based): chr5:218,393, C>A. VCF-style: chr5-218393-C-A. GRCh37 (hg19) VCF-style: chr5-218508-C-A.
Other names: c.38C>A, p.Ala13Asp (NM_001294332.2, NM_001330758.2); short protein forms A13D.
Identifiers: ClinVar variation 2949151 (VCV002949151.3), dbSNP rs2477252136, ClinGen allele CA359007357.

ClinVar aggregate classification (germline): Uncertain significance (1 of 4 stars; one submission).

Conditions:
Mitochondrial complex II deficiency, nuclear type 1. Also called: SUCCINATE CoQ REDUCTASE DEFICIENCY. Identifiers: Orphanet 3208, MedGen C5700310, MONDO:0100294, OMIM 252011.
Pheochromocytoma/paraganglioma syndrome 5. Also called: Paragangliomas 5; SDHA-Related Hereditary Paraganglioma-Pheochromocytoma Syndrome. Identifiers: Orphanet 29072, MedGen C3279992, MONDO:0013602, OMIM 614165.

Submission:

Labcorp Genetics (formerly Invitae), Labcorp
Classification: Uncertain significance for Pheochromocytoma/paraganglioma syndrome 5; Mitochondrial complex II deficiency, nuclear type 1. Last evaluated: 2023-06-22. Review status: criteria provided, single submitter. Criteria: Invitae Variant Classification Sherloc (09022015). Collection method: clinical testing. Allele origin: germline.
Comment: This sequence change replaces alanine, which is neutral and non-polar, with aspartic acid, which is acidic and polar, at codon 13 of the SDHA protein (p.Ala13Asp). This variant is not present in population databases (gnomAD no frequency). This variant has not been reported in the literature in individuals affected with SDHA-related conditions. Advanced modeling of protein sequence and biophysical properties (such as structural, functional, and spatial information, amino acid conservation, physicochemical variation, residue mobility, and thermodynamic stability) performed at Invitae indicates that this missense variant is not expected to disrupt SDHA protein function. In summary, the available evidence is currently insufficient to determine the role of this variant in disease. Therefore, it has been classified as a Variant of Uncertain Significance.